The following is an entry in ClinVar:

ClinVar aggregate classification (germline): Pathogenic (1 of 4 stars; one submission).

Conditions:
Bethlem myopathy 1A. Also called: MYOPATHY, BENIGN CONGENITAL, WITH CONTRACTURES; Bethlem myopathy 1; Bethlem Muscular Dystrophy. Identifiers: Orphanet 610, MedGen CN029274, MONDO:0024530, OMIM 158810.

Submission:

Labcorp Genetics (formerly Invitae), Labcorp
Classification: Pathogenic for Bethlem myopathy 1A. Last evaluated: 2022-04-21. Review status: criteria provided, single submitter. Criteria: Invitae Variant Classification Sherloc (09022015). Collection method: clinical testing. Allele origin: germline.
Comment: For these reasons, this variant has been classified as Pathogenic. This variant has not been reported in the literature in individuals affected with COL6A3-related conditions. This variant is not present in population databases (gnomAD no frequency). This sequence change creates a premature translational stop signal (p.Gln412*) in the COL6A3 gene. It is expected to result in an absent or disrupted protein product. Loss-of-function variants in COL6A3 are known to be pathogenic (PMID: 26004199).

Literature cited by the submitters: PubMed 26004199.

NM_004369.4(COL6A3):c.1234C>T (p.Gln412Ter)

Gene: COL6A3 (collagen type VI alpha 3 chain; minus strand). Cytogenetic location: 2q37.3.
Variant type: single nucleotide variant.
Coding change: c.1234C>T on transcript NM_004369.4 (MANE Select); coding-DNA position 1234, C replaced by T.
Protein change: p.Gln412Ter; replaces glutamine 412 with a stop codon.
Molecular consequence: nonsense. On other transcripts: intron variant (2).
Genome position (GRCh38, 1-based): chr2:237,387,660, G>A on the plus strand (C>T on the coding strand, the complement: COL6A3 is on the minus strand). VCF-style: chr2-237387660-G-A. GRCh37 (hg19) VCF-style: chr2-238296303-G-A.
Other names: c.616C>T, p.Gln206Ter (NM_057165.5, NM_057167.4); c.92-6161C>T (NM_057166.5, NM_057164.5); short protein forms Q206*, Q412*.
Identifiers: ClinVar variation 2122518 (VCV002122518.4), dbSNP rs910170157, ClinGen allele CA67835572.